The following is an entry in ClinVar:

NM_000021.4(PSEN1):c.416T>A (p.Met139Lys)

Gene: PSEN1 (presenilin 1; plus strand). Cytogenetic location: 14q24.2.
Variant type: single nucleotide variant.
Coding change: c.416T>A on transcript NM_000021.4 (MANE Select); coding-DNA position 416, T replaced by A.
Protein change: p.Met139Lys; replaces methionine 139 with lysine.
Molecular consequence: missense variant.
Genome position (GRCh38, 1-based): chr14:73,173,643, T>A. VCF-style: chr14-73173643-T-A. GRCh37 (hg19) VCF-style: chr14-73640351-T-A.
Other names: c.404T>A, p.Met135Lys (NM_007318.3); short protein forms M135K, M139K.
Identifiers: ClinVar variation 3759252 (VCV003759252.3).

ClinVar aggregate classification (germline): Pathogenic/Likely pathogenic. Review status: criteria provided, multiple submitters, no conflicts (2 of 4 stars). 2 submissions from 2 submitters: Pathogenic (1); Likely pathogenic (1). Last evaluated 2025-02-11.

Conditions:
Alzheimer disease 3 (AD3). Also called: ALZHEIMER DISEASE, FAMILIAL, 3. Identifiers: Orphanet 1020, MedGen C1843013, MONDO:0011913, OMIM 607822.
Pick disease. Also called: PICK DISEASE OF BRAIN; Pick Disease of the Brain; DEMENTIA WITH LOBAR ATROPHY AND NEURONAL CYTOPLASMIC INCLUSIONS; LOBAR ATROPHY OF BRAIN; Pick's disease. Identifiers: Orphanet 282, MedGen C0236642, MONDO:0008243, OMIM 172700.
Acne inversa, familial, 3 (ACNINV3). Identifiers: MedGen C3151038, MONDO:0013398, OMIM 613737.
Frontotemporal dementia (FTD1). Also called: Frontotemporal lobe dementia (FLDEM); FRONTOTEMPORAL LOBAR DEGENERATION WITH TAU INCLUSIONS; FTLD WITH TAU INCLUSIONS; Frontotemporal Dementia with Parkinsonism-17 (FTDP-17); FRONTOTEMPORAL DEMENTIA WITH PARKINSONISM; FRONTOTEMPORAL LOBE DEMENTIA. Identifiers: Orphanet 282, MedGen C0338451, MONDO:0017276, OMIM 600274, HP:0002145.

Submissions (2):

Women's Health and Genetics/Laboratory Corporation of America, LabCorp
Classification: Likely pathogenic for Alzheimer disease 3. Last evaluated: 2025-02-11. Review status: criteria provided, single submitter. Criteria: LabCorp Variant Classification Summary - May 2015. Collection method: clinical testing. Allele origin: germline.
Comment: Variant summary: PSEN1 c.416T>A (p.Met139Lys) results in a non-conservative amino acid change in the encoded protein sequence. Five of five in-silico tools predict a damaging effect of the variant on protein function. The variant was absent in 251472 control chromosomes (gnomAD). c.416T>A has been reported in the literature in an individual affected with early-onset Alzheimer Disease, Type 3. Other variants affecting the same codon have been determined to be pathogenic (p.Met139Val, p.Met139Thr), supporting the critical relevance of codon 139 to PSEN1 protein function. At least one publication reports experimental evidence evaluating an impact on protein function, however, does not allow convincing conclusions about the variant effect (Liu_2023). The following publications have been ascertained in the context of this evaluation (PMID: 9719376, 28350801, 35278341). No submitters have cited clinical-significance assessments for this variant to ClinVar. Based on the evidence outlined above, the variant was classified as likely pathogenic.

Labcorp Genetics (formerly Invitae), Labcorp
Classification: Pathogenic for Alzheimer disease 3; Pick disease; Acne inversa, familial, 3; Frontotemporal dementia. Last evaluated: 2024-10-27. Review status: criteria provided, single submitter. Criteria: Invitae Variant Classification Sherloc (09022015). Collection method: clinical testing. Allele origin: germline.
Comment: This sequence change replaces methionine, which is neutral and non-polar, with lysine, which is basic and polar, at codon 139 of the PSEN1 protein (p.Met139Lys). This variant is not present in population databases (gnomAD no frequency). This missense change has been observed in individual(s) with early-onset Alzheimer disease (PMID: 26756738). In at least one individual the variant was observed to be de novo. Invitae Evidence Modeling of protein sequence and biophysical properties (such as structural, functional, and spatial information, amino acid conservation, physicochemical variation, residue mobility, and thermodynamic stability) indicates that this missense variant is expected to disrupt PSEN1 protein function with a positive predictive value of 95%. This variant disrupts the p.Met139 amino acid residue in PSEN1. Other variant(s) that disrupt this residue have been determined to be pathogenic (PMID: 7550356). This suggests that this residue is clinically significant, and that variants that disrupt this residue are likely to be disease-causing. For these reasons, this variant has been classified as Pathogenic.

Literature cited by the submitters: PubMed 28350801 (cited by Women's Health and Genetics/Laboratory Corporation of America, LabCorp); PubMed 9719376 (cited by Women's Health and Genetics/Laboratory Corporation of America, LabCorp); PubMed 35278341 (cited by Women's Health and Genetics/Laboratory Corporation of America, LabCorp); PubMed 26756738 (cited by Labcorp Genetics (formerly Invitae), Labcorp); PubMed 7550356 (cited by Labcorp Genetics (formerly Invitae), Labcorp).